The following is an entry in ClinVar:

NM_017780.4(CHD7):c.463C>T (p.Gln155Ter)

Gene: CHD7 (chromodomain helicase DNA binding protein 7; plus strand). Cytogenetic location: 8q12.2.
Variant type: single nucleotide variant.
Coding change: c.463C>T on transcript NM_017780.4 (MANE Select); coding-DNA position 463, C replaced by T.
Protein change: p.Gln155Ter; replaces glutamine 155 with a stop codon.
Molecular consequence: nonsense.
Genome position (GRCh38, 1-based): chr8:60,741,895, C>T. VCF-style: chr8-60741895-C-T. GRCh37 (hg19) VCF-style: chr8-61654454-C-T.
Other names: c.463C>T, p.Gln155Ter (NM_001316690.1); short protein forms Q155*.
Identifiers: ClinVar variation 1419683 (VCV001419683.8), dbSNP rs1809042353, ClinGen allele CA371297469.

ClinVar aggregate classification (germline): Pathogenic. Review status: criteria provided, multiple submitters, no conflicts (2 of 4 stars). 2 submissions from 2 submitters: Pathogenic (2). Last evaluated 2024-12-11.

Conditions:
CHARGE syndrome (CHARGE). Also called: Coloboma, heart anomaly, choanal atresia, retardation, genital and ear anomalies; CHARGE association; Hall-Hittner syndrome; Hittner Hirsch Kreh syndrome; CHARGE ASSOCIATION--COLOBOMA, HEART ANOMALY, CHOANAL ATRESIA, RETARDATION, GENITAL AND EAR ANOMALIES. Identifiers: Orphanet 138, MedGen C0265354, MONDO:0008965.

Submissions (2):

Institute of Human Genetics, University of Leipzig Medical Center
Classification: Pathogenic for CHD7-related CHARGE syndrome. Last evaluated: 2024-12-11. Review status: criteria provided, single submitter. Criteria: ACMG Guidelines, 2015. Collection method: clinical testing. Allele origin: unknown. Inheritance: Autosomal dominant inheritance. Affected: yes.
Comment: Criteria applied: PVS1,PM2,PS4_SUP

Labcorp Genetics (formerly Invitae), Labcorp
Classification: Pathogenic for CHARGE syndrome. Last evaluated: 2021-05-05. Review status: criteria provided, single submitter. Criteria: Invitae Variant Classification Sherloc (09022015). Collection method: clinical testing. Allele origin: germline.
Comment: For these reasons, this variant has been classified as Pathogenic. This variant has not been reported in the literature in individuals with CHD7-related conditions. This variant is not present in population databases (ExAC no frequency). This sequence change creates a premature translational stop signal (p.Gln155*) in the CHD7 gene. It is expected to result in an absent or disrupted protein product. Loss-of-function variants in CHD7 are known to be pathogenic (PMID: 22461308, 25077900).

Literature cited by the submitters: PubMed 22461308 (cited by Labcorp Genetics (formerly Invitae), Labcorp); PubMed 25077900 (cited by Labcorp Genetics (formerly Invitae), Labcorp).